The following is an entry in ClinVar:

ClinVar aggregate classification (germline): Uncertain significance. Review status: criteria provided, multiple submitters, no conflicts (2 of 4 stars). 2 submissions from 2 submitters: Uncertain significance (2). Last evaluated 2026-01-21.

Conditions:
Charcot-Marie-Tooth disease axonal type 2O. Also called: Charcot-Marie-Tooth Neuropathy Type 2O; Charcot-Marie-Tooth disease, axonal, type 20; CHARCOT-MARIE-TOOTH NEUROPATHY, AXONAL, TYPE 2O; CHARCOT-MARIE-TOOTH DISEASE, AXONAL, AUTOSOMAL DOMINANT, TYPE 2O. Identifiers: Orphanet 284232, MedGen C3280220, MONDO:0013644, OMIM 614228.

Allele frequency attached by ClinVar (database versions not stated): gnomAD exomes below 0.00001; gnomAD 0.00001; TOPMed 0.00002.
gnomAD v4.1: 5 of 1,613,982 alleles (0.00031%); highest among the groups gnomAD compares: African/African-American, 0.0053%; no homozygotes.

Submissions (2):

Labcorp Genetics (formerly Invitae), Labcorp
Classification: Uncertain significance for Charcot-Marie-Tooth disease axonal type 2O. Last evaluated: 2026-01-21. Review status: criteria provided, single submitter. Criteria: Invitae Variant Classification Sherloc (09022015). Collection method: clinical testing. Allele origin: germline.
Comment: This sequence change falls in intron 42 of the DYNC1H1 gene. It does not directly change the encoded amino acid sequence of the DYNC1H1 protein. It affects a nucleotide within the consensus splice site. This variant is present in population databases (no rsID available, gnomAD 0.007%). This variant has not been reported in the literature in individuals affected with DYNC1H1-related conditions. ClinVar contains an entry for this variant (Variation ID: 959125). Variants that disrupt the consensus splice site are a relatively common cause of aberrant splicing (PMID: 17576681, 9536098). Algorithms developed to predict the effect of sequence changes on RNA splicing suggest that this variant is not likely to affect RNA splicing. In summary, the available evidence is currently insufficient to determine the role of this variant in disease. Therefore, it has been classified as a Variant of Uncertain Significance.

Laboratorio de Genetica e Diagnostico Molecular, Hospital Israelita Albert Einstein
Classification: Uncertain significance. Last evaluated: 2020-01-16. Review status: criteria provided, single submitter. Criteria: ACMG Guidelines, 2015. Collection method: clinical testing. Allele origin: germline. Affected: yes.
Comment: ACMG classification criteria: PM2, BP4

Literature cited by the submitters: PubMed 17576681 (cited by Labcorp Genetics (formerly Invitae), Labcorp); PubMed 9536098 (cited by Labcorp Genetics (formerly Invitae), Labcorp).

NM_001376.5(DYNC1H1):c.8507+3A>G

Gene: DYNC1H1 (dynein cytoplasmic 1 heavy chain 1; plus strand). Cytogenetic location: 14q32.31.
Variant type: single nucleotide variant.
Coding change: c.8507+3A>G on transcript NM_001376.5 (MANE Select); 3 bases into the intron after coding-DNA position 8507, A replaced by G.
Molecular consequence: intron variant.
Genome position (GRCh38, 1-based): chr14:102,020,059, A>G. VCF-style: chr14-102020059-A-G. GRCh37 (hg19) VCF-style: chr14-102486396-A-G.
Identifiers: ClinVar variation 959125 (VCV000959125.10), dbSNP rs1167512575, ClinGen allele CA616580482.